The following is an entry in ClinVar:

NM_020461.4(TUBGCP6):c.5404C>T (p.His1802Tyr)

Gene: TUBGCP6 (tubulin gamma complex component 6; minus strand). Cytogenetic location: 22q13.33.
Variant type: single nucleotide variant.
Coding change: c.5404C>T on transcript NM_020461.4 (MANE Select); coding-DNA position 5404, C replaced by T.
Protein change: p.His1802Tyr; replaces histidine 1802 with tyrosine.
Molecular consequence: missense variant.
Genome position (GRCh38, 1-based): chr22:50,217,792, G>A on the plus strand (C>T on the coding strand, the complement: TUBGCP6 is on the minus strand). VCF-style: chr22-50217792-G-A. GRCh37 (hg19) VCF-style: chr22-50656221-G-A.
Other names: short protein forms H1802Y.
Identifiers: ClinVar variation 2121143 (VCV002121143.4), dbSNP rs2519118707, ClinGen allele CA412161495.
Genomic context (GRCh38, chr22:50,217,792, plus strand): 5'-AGCCTCAGGCGTCCTGGTAGTAGTTGTTGAAGTTGATGCGCAGCAGAAAGTCCTCCAGGT[G>A]GGGCTGGTAGCCGCGGTTCACCAGCTTGGTCACCACTGGGGACCAGCGAGCAGCTCAGGC-3'
Protein context (NP_065194.3, residues 1792-1812): TKLVNRGYQP[His1802Tyr]LEDFLLRINF

ClinVar aggregate classification (germline): Uncertain significance (1 of 4 stars; one submission).

Allele frequency attached by ClinVar (database versions not stated): gnomAD exomes below 0.00001.
gnomAD v4.1: 2 of 1,614,018 alleles (0.00012%); highest among the groups gnomAD compares: East Asian, 0.0022%; no homozygotes.

Submission:

Labcorp Genetics (formerly Invitae), Labcorp
Classification: Uncertain significance. Last evaluated: 2022-08-16. Review status: criteria provided, single submitter. Criteria: Invitae Variant Classification Sherloc (09022015). Collection method: clinical testing. Allele origin: germline.
Comment: This variant is not present in population databases (gnomAD no frequency). This sequence change replaces histidine, which is basic and polar, with tyrosine, which is neutral and polar, at codon 1802 of the TUBGCP6 protein (p.His1802Tyr). This variant has not been reported in the literature in individuals affected with TUBGCP6-related conditions. In summary, the available evidence is currently insufficient to determine the role of this variant in disease. Therefore, it has been classified as a Variant of Uncertain Significance. Algorithms developed to predict the effect of missense changes on protein structure and function are either unavailable or do not agree on the potential impact of this missense change (SIFT: "Deleterious"; PolyPhen-2: "Probably Damaging"; Align-GVGD: "Class C0").